The following is an entry in ClinVar:

NM_000535.7(PMS2):c.1231_1232delinsTT (p.Glu411Leu)

Gene: PMS2 (PMS1 homolog 2, mismatch repair system component; minus strand). Cytogenetic location: 7p22.1.
Variant type: Indel.
Coding change: c.1231_1232delinsTT on transcript NM_000535.7 (MANE Select); coding-DNA positions 1231 to 1232, GA replaced by TT.
Protein change: p.Glu411Leu; replaces glutamic acid 411 with leucine.
Molecular consequence: missense variant. On other transcripts: non-coding transcript variant (1).
Genome position (GRCh38, 1-based): chr7:5,987,533-5,987,534, TC replaced by AA on the plus strand (GA replaced by TT on the coding strand, the reverse complement: PMS2 is on the minus strand). VCF-style: chr7-5987533-TC-AA. GRCh37 (hg19) VCF-style: chr7-6027164-TC-AA.
Other names: c.1231_1232delinsTT (NM_000535.5); c.826_827delinsTT, p.Glu276Leu (NM_001322003.2, NM_001322004.2, NM_001322005.2 and 1 more transcripts); c.1075_1076delinsTT, p.Glu359Leu (NM_001322006.2); c.913_914delinsTT, p.Glu305Leu (NM_001322007.2, NM_001322008.2); c.670_671delinsTT, p.Glu224Leu (NM_001322010.2); c.298_299delinsTT, p.Glu100Leu (NM_001322011.2, NM_001322012.2); c.658_659delinsTT, p.Glu220Leu (NM_001322013.2); c.1231_1232delinsTT, p.Glu411Leu (NM_001322014.2); and 1 more; short protein forms E100L, E359L, E220L, E308L, E411L, E305L, E224L, E276L.
Identifiers: ClinVar variation 186339 (VCV000186339.15), dbSNP rs786202871, ClinGen allele CA009356.
Genomic context (GRCh38, chr7:5,987,533, plus strand): 5'-TCTGTTGTGTGACGAAGAGAAAAGGCCTCTCGCAGTCTGGAAATGGACACGTCTTTTTTT[TC>AA]TTCTCCAGTCCTTAATGAAGGGGATTGATCCTGCTTTTCTACCATGGGCTTTTCCAAATC-3'
Protein context (NP_000526.2, residues 401-421): DQSPSLRTGE[Glu411Leu]KKDVSISRLR

ClinVar aggregate classification (germline): Uncertain significance. Review status: criteria provided, multiple submitters, no conflicts (2 of 4 stars). 3 submissions from 3 submitters: Uncertain significance (3). Last evaluated 2025-07-23.

Conditions:
Hereditary nonpolyposis colorectal neoplasms. Identifiers: MedGen C0009405, MeSH D003123.
Hereditary cancer-predisposing syndrome. Also called: Neoplastic Syndromes, Hereditary; Tumor predisposition; Hereditary Cancer Syndrome; Hereditary neoplastic syndrome. Identifiers: Orphanet 140162, MedGen C0027672, MeSH D009386, MONDO:0015356.

Submissions (3):

Ambry Genetics
Classification: Uncertain significance for Hereditary cancer-predisposing syndrome. Last evaluated: 2025-07-23. Review status: criteria provided, single submitter. Criteria: Ambry Variant Classification Scheme 2023. Collection method: clinical testing. Allele origin: germline.
Comment: The c.1231_1232delGAinsTT variant (also known as p.E411L), located in coding exon 11 of the PMS2 gene, results from an in-frame deletion of GA and insertion of TT at nucleotide positions 1231 to 1232. This results in the substitution of the glutamic acid residue for a leucine residue at codon 411, an amino acid with dissimilar properties. This amino acid position is well conserved in available vertebrate species. In addition, the in silico prediction for this alteration is inconclusive (Choi Y et al. PLoS ONE. 2012; 7(10):e46688). Since supporting evidence is limited at this time, the clinical significance of this alteration remains unclear.

GeneDx
Classification: Uncertain significance. Last evaluated: 2024-09-04. Review status: criteria provided, single submitter. Criteria: GeneDx Variant Classification Process June 2021. Collection method: clinical testing. Allele origin: germline. Affected: yes.
Comment: Not observed at significant frequency in large population cohorts (gnomAD); In silico analysis supports a deleterious effect on protein structure/function; Has not been previously published as pathogenic or benign to our knowledge

Labcorp Genetics (formerly Invitae), Labcorp
Classification: Uncertain significance for Hereditary nonpolyposis colorectal neoplasms. Last evaluated: 2024-07-17. Review status: criteria provided, single submitter. Criteria: Invitae Variant Classification Sherloc (09022015). Collection method: clinical testing. Allele origin: germline.
Comment: This sequence change replaces glutamic acid, which is acidic and polar, with leucine, which is neutral and non-polar, at codon 411 of the PMS2 protein (p.Glu411Leu). The frequency data for this variant in the population databases is considered unreliable, as metrics indicate poor data quality at this position in the gnomAD database. This variant has not been reported in the literature in individuals affected with PMS2-related conditions. ClinVar contains an entry for this variant (Variation ID: 186339). An algorithm developed to predict the effect of missense changes on protein structure and function (PolyPhen-2) suggests that this variant is likely to be tolerated. In summary, the available evidence is currently insufficient to determine the role of this variant in disease. Therefore, it has been classified as a Variant of Uncertain Significance.